The following is an entry in ClinVar:

NM_206937.2(LIG4):c.2525C>A (p.Ala842Asp)

Gene: LIG4 (DNA ligase 4; minus strand). Cytogenetic location: 13q33.3.
Variant type: single nucleotide variant.
Coding change: c.2525C>A on transcript NM_206937.2 (MANE Select); coding-DNA position 2525, C replaced by A.
Protein change: p.Ala842Asp; replaces alanine 842 with aspartic acid.
Molecular consequence: missense variant.
Genome position (GRCh38, 1-based): chr13:108,208,744, G>T on the plus strand (C>A on the coding strand, the complement: LIG4 is on the minus strand). VCF-style: chr13-108208744-G-T. GRCh37 (hg19) VCF-style: chr13-108861092-G-T.
Other names: p.Ala842Asp; c.2525C>A, p.Ala842Asp (NM_001098268.2, NM_001352598.2, NM_001352599.2 and 6 more transcripts); c.2324C>A, p.Ala775Asp (NM_001330595.2); c.2561C>A, p.Ala854Asp (NM_001352604.2); short protein forms A842D, A775D, A854D.
Identifiers: ClinVar variation 310975 (VCV000310975.44), dbSNP rs72660870, ClinGen allele CA7043477.

ClinVar aggregate classification (germline): Conflicting classifications of pathogenicity. Review status: criteria provided, conflicting classifications (1 of 4 stars). 11 submissions from 10 submitters: Uncertain significance (8); Likely benign (2). 1 of the submissions does not count toward it. Last evaluated 2026-02-11.

Conditions:
LIG4-related disorder. Also called: LIG4-related condition; LIG4-related disorders. Identifiers: MedGen CN239380.
DNA ligase IV deficiency. Identifiers: Orphanet 99812, MedGen C1847827, MONDO:0011686, OMIM 606593.
Severe combined immunodeficiency due to DCLRE1C deficiency (RS-SCID). Also called: SCID, AUTOSOMAL RECESSIVE, T CELL-NEGATIVE, B CELL-NEGATIVE, NK CELL-POSITIVE, WITH SENSITIVITY TO IONIZING RADIATION. Identifiers: Orphanet 275, MedGen C1865371, MONDO:0011225, OMIM 602450.
Multiple myeloma (MM). Also called: Plasma cell myeloma; Multiple myeloma, somatic. Identifiers: Orphanet 29073, Orphanet 85443, MedGen C0026764, MeSH D009101, MONDO:0009693, OMIM 254500, HP:0006775.

Allele frequency attached by ClinVar (database versions not stated): TOPMed 0.00130; ExAC 0.00124; 1000 Genomes Project 30x 0.00047; gnomAD 0.00129; 1000 Genomes Project 0.00020; ESP Exome Variant Server 0.00138.
gnomAD v4.1: 3,249 of 1,614,106 alleles (0.2%); highest among the groups gnomAD compares: Non-Finnish European, 0.26%; 7 homozygotes.

Submissions (11):

Women's Health and Genetics/Laboratory Corporation of America, LabCorp
Classification: Likely benign. Last evaluated: 2026-02-11. Review status: criteria provided, single submitter. Criteria: LabCorp Variant Classification Summary - May 2015. Collection method: clinical testing. Allele origin: germline.
Comment: Variant summary: LIG4 c.2525C>A (p.Ala842Asp) results in a non-conservative amino acid change in the encoded protein sequence. Algorithms developed to predict the effect of missense changes on protein structure and function are either unavailable or do not agree on the potential impact of this missense change. The variant allele was found at a frequency of 0.0011 in 251444 control chromosomes, predominantly at a frequency of 0.0021 within the Non-Finnish European subpopulation in the gnomAD database, including 1 homozygotes. The observed variant frequency within Non-Finnish European control individuals in the gnomAD database exceeds the estimated maximal expected allele frequency for disease-causing variants in LIG4. c.2525C>A has been observed in individual(s) affected with Hypogammaglobulinemia (Jauch_2023). These report(s) do not provide unequivocal conclusions about association of the variant with DNA ligase IV deficiency. At least one publication reports experimental evidence evaluating an impact on protein function, the results show damaging effects on cell viability rescue after DNA damage. The following publication have been ascertained in the context of this evaluation (PMID: 37004747). ClinVar contains an entry for this variant (Variation ID: 310975). Based on the evidence outlined above, the variant was classified as likely benign.

Labcorp Genetics (formerly Invitae), Labcorp
Classification: Likely benign for DNA ligase IV deficiency. Last evaluated: 2026-02-02. Review status: criteria provided, single submitter. Criteria: Invitae Variant Classification Sherloc (09022015). Collection method: clinical testing. Allele origin: germline.

Mayo Clinic Laboratories, Mayo Clinic
Classification: Uncertain significance. Last evaluated: 2025-11-07. Review status: criteria provided, single submitter. Criteria: ACMG Guidelines, 2015. Collection method: clinical testing. Allele origin: germline. Observed: 4 variant alleles.
Comment: BS1, BS2, PS3_supporting

GeneDx
Classification: Uncertain significance. Last evaluated: 2025-03-27. Review status: criteria provided, single submitter. Criteria: GeneDx Variant Classification Process June 2021. Collection method: clinical testing. Allele origin: germline. Affected: yes.
Comment: In silico analysis indicates that this missense variant does not alter protein structure/function; Published functional studies demonstrate a damaging effect: variant negatively effects cell viability rescue after DNA damage (PMID: 37004747); Observed in individuals with hypogammaglobinemia (PMID: 37004747); This variant is associated with the following publications: (PMID: 37004747)

Blueprint Genetics
Classification: Uncertain significance. Last evaluated: 2024-10-28. Review status: criteria provided, single submitter. Criteria: ACMG Guidelines, 2015. Collection method: clinical testing. Allele origin: germline.

Genetic Services Laboratory, University of Chicago
Classification: Uncertain significance. Last evaluated: 2021-04-08. Review status: criteria provided, single submitter. Criteria: ACMG Guidelines, 2015. Collection method: clinical testing. Allele origin: germline. Affected: no.
Comment: DNA sequence analysis of the LIG4 gene demonstrated a sequence change, c.2525C>A, in exon 2 that results in an amino acid change, p.Ala842Asp. This sequence change does not appear to have been previously described in individuals with LIG4-related disorders and has been described in the gnomAD database with a frequency of 0.21% in the European sub-population (dbSNP rs72660870). The p.Ala842Asp change affects a moderately conserved amino acid residue located in a domain of the LIG4 protein that is known to be functional. In-silico pathogenicity prediction tools (SIFT, PolyPhen2, Align GVGD, REVEL) provide contradictory results for the p.Ala842Asp substitution. Due to these contrasting evidences and the lack of functional studies, the clinical significance of the p.Ala842Asp change remains unknown at this time.

Fulgent Genetics
Classification: Uncertain significance for Multiple myeloma; DNA ligase IV deficiency. Last evaluated: 2018-10-31. Review status: criteria provided, single submitter. Criteria: ACMG Guidelines, 2015. Collection method: clinical testing. Allele origin: unknown.

Illumina Laboratory Services, Illumina
Classification: Uncertain significance for Severe combined immunodeficiency due to DCLRE1C deficiency. Last evaluated: 2017-04-27. Review status: criteria provided, single submitter. Criteria: ICSL Variant Classification Criteria 13 December 2019. Collection method: clinical testing. Allele origin: germline.

Illumina Laboratory Services, Illumina
Classification: Uncertain significance for DNA ligase IV deficiency. Last evaluated: 2017-04-27. Review status: criteria provided, single submitter. Criteria: ICSL Variant Classification Criteria 13 December 2019. Collection method: clinical testing. Allele origin: germline.

Center for Genomics, Ann and Robert H. Lurie Children's Hospital of Chicago
Classification: Uncertain significance for DNA ligase IV deficiency; Multiple myeloma. Review status: criteria provided, single submitter. Criteria: ACMG Guidelines, 2015. Collection method: clinical testing. Allele origin: germline.
Comment: LIG4 NM_002312.3 exon 2 p.Ala842Asp (c.2525C>A): This variant has not been reported in the literature but is present in 0.2% (274/129160) of European alleles, including 1 homozygote, in the Genome Aggregation Database. This variant is present in ClinVar (Variation ID:310975). Evolutionary conservation for this variant suggests that this variant may impact the protein; computational predictive tools for this variant are unclear. In summary, data on this variant is insufficient for disease classification. Therefore, the clinical significance of this variant is uncertain.

PreventionGenetics, part of Exact Sciences
Classification: Likely benign for LIG4-related condition. Last evaluated: 2020-09-29. Review status: no assertion criteria provided. Collection method: clinical testing. Allele origin: germline. Not counted in ClinVar's aggregate classification.
Comment: This variant is classified as likely benign based on ACMG/AMP sequence variant interpretation guidelines (Richards et al. 2015 PMID: 25741868, with internal and published modifications).

Literature cited by the submitters: PubMed 37004747 (cited by Women's Health and Genetics/Laboratory Corporation of America, LabCorp and Mayo Clinic Laboratories, Mayo Clinic).